The following is an entry in ClinVar:

NM_000059.4(BRCA2):c.67+1_67+6del

Gene: BRCA2 (BRCA2 DNA repair associated; plus strand). Cytogenetic location: 13q13.1.
Variant type: Deletion.
Coding change: c.67+1_67+6del on transcript NM_000059.4 (MANE Select); the canonical splice donor site of the intron after coding-DNA position 67 through 6 bases into the intron after coding-DNA position 67, 6 bases deleted (GTATTG; older notation c.67+1_67+6delGTATTG).
Molecular consequence: splice donor variant. On other transcripts: intron variant (1).
Genome position (GRCh38, 1-based): chr13:32,316,528-32,316,533, GTATTG deleted; deleting any 6 consecutive bases within chr13:32,316,527-32,316,533 gives the same sequence; the c. name uses the placement nearest the transcript's 3' end. VCF-style (leftmost placement, unchanged base first): chr13-32316526-AGGTATT-A. GRCh37 (hg19) VCF-style: chr13-32890663-AGGTATT-A.
Other names: c.67+1_67+6del (NM_001406720.1, NM_001406719.1, NM_001406721.1); c.-303+861_-303+866del (NM_001406722.1).
Identifiers: ClinVar variation 2703878 (VCV002703878.3), dbSNP rs2548509858, ClinGen allele CA2697551710.

ClinVar aggregate classification (germline): Pathogenic (1 of 4 stars; one submission).

Conditions:
Hereditary breast ovarian cancer syndrome. Also called: Hereditary breast and/or ovarian cancer syndrome; Hereditary breast and ovarian cancer syndrome (HBOC); Breast and ovarian cancer; Hereditary breast and ovarian cancer syndrome; Hereditary breast and ovarian cancer; BRCA1- and BRCA2-Associated Hereditary Breast and Ovarian Cancer. Identifiers: Orphanet 145, MedGen C0677776, MeSH D061325, MONDO:0003582. Disease mechanism: loss of function.

Submission:

Labcorp Genetics (formerly Invitae), Labcorp
Classification: Pathogenic for Hereditary breast ovarian cancer syndrome. Last evaluated: 2024-03-16. Review status: criteria provided, single submitter. Criteria: Invitae Variant Classification Sherloc (09022015). Collection method: clinical testing. Allele origin: germline.
Comment: This sequence change affects a splice site in intron 2 of the BRCA2 gene. RNA analysis indicates that disruption of this splice site induces altered splicing and is likely to result in the loss of the initiator methionine. This variant is not present in population databases (gnomAD no frequency). This variant has not been reported in the literature in individuals affected with BRCA2-related conditions. Studies have shown that disruption of this splice site results in skipping of exon 2, and is expected to result in the loss of the initiator methionine (Invitae). Other variant(s) that result in the disruption of the initiator methionine have been determined to be pathogenic (PMID: 14647210, 18182601, 21769658, 24156927, 25330149; Invitae). This suggests that this variant may also be clinically significant and likely to be disease-causing. For these reasons, this variant has been classified as Pathogenic.

Literature cited by the submitters: PubMed 14647210; PubMed 18182601; PubMed 21769658; PubMed 24156927; PubMed 25330149.